The following is an entry in ClinVar:

NM_014159.7(SETD2):c.3967A>C (p.Thr1323Pro)

Gene: SETD2 (SET domain containing 2, histone lysine methyltransferase; minus strand). Cytogenetic location: 3p21.31.
Variant type: single nucleotide variant.
Coding change: c.3967A>C on transcript NM_014159.7 (MANE Select); coding-DNA position 3967, A replaced by C.
Protein change: p.Thr1323Pro; replaces threonine 1323 with proline.
Molecular consequence: missense variant. On other transcripts: non-coding transcript variant (1).
Genome position (GRCh38, 1-based): chr3:47,120,669, T>G on the plus strand (A>C on the coding strand, the complement: SETD2 is on the minus strand). VCF-style: chr3-47120669-T-G. GRCh37 (hg19) VCF-style: chr3-47162159-T-G.
Other names: c.3835A>C, p.Thr1279Pro (NM_001349370.3); short protein forms T1279P, T1323P.
Identifiers: ClinVar variation 651984 (VCV000651984.5), dbSNP rs1575810763, ClinGen allele CA352519444.
Genomic context (GRCh38, chr3:47,120,669, plus strand): 5'-GATCCCAATTCTCCTCTTCTTCACGATCATCTGTTAGGGAATCTGGTACTTGTCCTTGAG[T>G]TCGATCATACACAACCCCAGTTCCAGGAGGTCTACCTGATCTTGGATCCCAGTAACCATT-3'
Protein context (NP_054878.5, residues 1313-1333): PPGTGVVYDR[Thr1323Pro]QGQVPDSLTD

ClinVar aggregate classification (germline): Uncertain significance (1 of 4 stars; one submission).

Conditions:
Luscan-Lumish syndrome. Identifiers: Orphanet 597738, MedGen C4085873, MONDO:0014791, OMIM 616831.

Allele frequency attached by ClinVar (database versions not stated): TOPMed below 0.00001; gnomAD 0.00001.
gnomAD v4.1: 2 of 1,614,020 alleles (0.00012%); highest among the groups gnomAD compares: African/African-American, 0.0027%; no homozygotes.

Submission:

Labcorp Genetics (formerly Invitae), Labcorp
Classification: Uncertain significance for Luscan-Lumish syndrome. Last evaluated: 2018-08-11. Review status: criteria provided, single submitter. Criteria: Invitae Variant Classification Sherloc (09022015). Collection method: clinical testing. Allele origin: germline.
Comment: In summary, the available evidence is currently insufficient to determine the role of this variant in disease. Therefore, it has been classified as a Variant of Uncertain Significance. Algorithms developed to predict the effect of missense changes on protein structure and function (SIFT, PolyPhen-2, Align-GVGD) all suggest that this variant is likely to be tolerated, but these predictions have not been confirmed by published functional studies and their clinical significance is uncertain. This variant has not been reported in the literature in individuals with SETD2-related disease. This variant is not present in population databases (ExAC no frequency). This sequence change replaces threonine with proline at codon 1323 of the SETD2 protein (p.Thr1323Pro). The threonine residue is weakly conserved and there is a small physicochemical difference between threonine and proline.